The following is an entry in ClinVar:

ClinVar aggregate classification (germline): Uncertain significance. Review status: criteria provided, multiple submitters, no conflicts (2 of 4 stars). 2 submissions from 2 submitters: Uncertain significance (2). Last evaluated 2025-05-19.

Conditions:
Hereditary cancer-predisposing syndrome. Also called: Hereditary Cancer Syndrome; Hereditary neoplastic syndrome; Tumor predisposition; Neoplastic Syndromes, Hereditary. Identifiers: Orphanet 140162, MedGen C0027672, MeSH D009386, MONDO:0015356.
Cardiovascular phenotype. Identifiers: MedGen CN230736.

Submissions (2):

Labcorp Genetics (formerly Invitae), Labcorp
Classification: Uncertain significance. Last evaluated: 2025-05-19. Review status: criteria provided, single submitter. Criteria: Invitae Variant Classification Sherloc (09022015). Collection method: clinical testing. Allele origin: germline.
Comment: This sequence change replaces tyrosine, which is neutral and polar, with cysteine, which is neutral and slightly polar, at codon 752 of the LZTR1 protein (p.Tyr752Cys). This variant is not present in population databases (gnomAD no frequency). This variant has not been reported in the literature in individuals affected with LZTR1-related conditions. ClinVar contains an entry for this variant (Variation ID: 1788504). Invitae Evidence Modeling of protein sequence and biophysical properties (such as structural, functional, and spatial information, amino acid conservation, physicochemical variation, residue mobility, and thermodynamic stability) indicates that this missense variant is not expected to disrupt LZTR1 protein function with a negative predictive value of 80%. In summary, the available evidence is currently insufficient to determine the role of this variant in disease. Therefore, it has been classified as a Variant of Uncertain Significance.

Ambry Genetics
Classification: Uncertain significance for Cardiovascular phenotype; Hereditary cancer-predisposing syndrome. Last evaluated: 2024-07-01. Review status: criteria provided, single submitter. Criteria: Ambry Variant Classification Scheme 2023. Collection method: clinical testing. Allele origin: germline.
Comment: The p.Y752C variant (also known as c.2255A>G), located in coding exon 19 of the LZTR1 gene, results from an A to G substitution at nucleotide position 2255. The tyrosine at codon 752 is replaced by cysteine, an amino acid with highly dissimilar properties. This amino acid position is well conserved in available vertebrate species. In addition, this alteration is predicted to be tolerated by in silico analysis. Based on the available evidence, the clinical significance of this variant remains unclear.

NM_006767.4(LZTR1):c.2255A>G (p.Tyr752Cys)

Gene: LZTR1 (leucine zipper like post translational regulator 1; plus strand). Cytogenetic location: 22q11.21.
Variant type: single nucleotide variant.
Coding change: c.2255A>G on transcript NM_006767.4 (MANE Select); coding-DNA position 2255, A replaced by G.
Protein change: p.Tyr752Cys; replaces tyrosine 752 with cysteine.
Molecular consequence: missense variant.
Genome position (GRCh38, 1-based): chr22:20,996,731, A>G. VCF-style: chr22-20996731-A-G. GRCh37 (hg19) VCF-style: chr22-21351020-A-G.
Other names: short protein forms Y752C.
Identifiers: ClinVar variation 1788504 (VCV001788504.8), dbSNP rs763502502, ClinGen allele CA322273513.